The following is an entry in ClinVar:

NM_170606.3(KMT2C):c.2232A>G (p.Thr744=)

Gene: KMT2C (lysine methyltransferase 2C; minus strand). Cytogenetic location: 7q36.1.
Variant type: single nucleotide variant.
Coding change: c.2232A>G on transcript NM_170606.3 (MANE Select); coding-DNA position 2232, A replaced by G.
Protein change: p.Thr744=; no amino-acid change (threonine 744 retained).
Molecular consequence: synonymous variant.
Genome position (GRCh38, 1-based): chr7:152,248,202, T>C on the plus strand (A>G on the coding strand, the complement: KMT2C is on the minus strand). VCF-style: chr7-152248202-T-C. GRCh37 (hg19) VCF-style: chr7-151945287-T-C.
Identifiers: ClinVar variation 4085363 (VCV004085363.8).

ClinVar aggregate classification (germline): Likely benign (1 of 4 stars; one submission).

gnomAD v4.1: 1 of 1,613,934 alleles (0.000062%); highest among the groups gnomAD compares: African/African-American, 0.0013%; no homozygotes.

Submission:

CeGaT Center for Human Genetics Tuebingen
Classification: Likely benign. Last evaluated: 2025-07-01. Review status: criteria provided, single submitter. Criteria: CeGaT Center For Human Genetics Tuebingen Variant Classification Criteria Version 2. Collection method: clinical testing. Allele origin: germline. Affected: yes. Observed: 1 variant allele.
Comment: KMT2C: BP4, BP7